The following is an entry in ClinVar:

ClinVar aggregate classification (germline): Pathogenic (1 of 4 stars; one submission).

Conditions:
Alport syndrome. Also called: Hemorrhagic familial nephritis; Hemorrhagic hereditary nephritis; Congenital hereditary hematuria. Identifiers: Orphanet 63, MedGen C1567741, MONDO:0018965.

Submission:

Myriad Genetics, Inc.
Classification: Pathogenic for Alport syndrome. Last evaluated: 2025-12-29. Review status: criteria provided, single submitter. Criteria: Myriad Autosomal Dominant, Autosomal Recessive and X-Linked Classification Criteria (2023). Collection method: clinical testing. Allele origin: unknown.
Comment: NM_000092.4(COL4A4):c.4651_4673del23(M1551Dfs*75) is a frameshift variant classified as pathogenic in the context of Alport syndrome, COL4A4-related. M1551Dfs*75 has not been observed in cases with relevant disease. Relevant functional assessments of this variant are not available in the literature. M1551Dfs*75 has not been observed in referenced population frequency databases. In summary, NM_000092.4(COL4A4):c.4651_4673del23(M1551Dfs*75) is a frameshift variant in a gene where loss of function is a known mechanism of disease and is predicted to disrupt protein function. Please note: this variant was assessed in the context of healthy population screening.

NM_000092.5(COL4A4):c.4651_4673del (p.Met1551fs)

Gene: COL4A4 (collagen type IV alpha 4 chain; minus strand). Cytogenetic location: 2q36.3.
Variant type: Deletion.
Coding change: c.4651_4673del on transcript NM_000092.5 (MANE Select); coding-DNA positions 4651 to 4673, 23 bases deleted (ATGATGCCACTCTCTGAAGAGGC).
Protein change: p.Met1551fs; shifts the reading frame from methionine 1551.
Molecular consequence: frameshift variant.
Genome position (GRCh38, 1-based): chr2:227,008,154-227,008,176, GCCTCTTCAGAGAGTGGCATCAT deleted on the plus strand (ATGATGCCACTCTCTGAAGAGGC on the coding strand, the reverse complement: COL4A4 is on the minus strand); deleting any 23 consecutive bases within chr2:227,008,154-227,008,177 gives the same sequence; the c. name uses the placement nearest the transcript's 3' end. VCF-style (leftmost placement, unchanged base first): chr2-227008153-CGCCTCTTCAGAGAGTGGCATCAT-C. GRCh37 (hg19) VCF-style: chr2-227872869-CGCCTCTTCAGAGAGTGGCATCAT-C.
Other names: short protein forms M1551fs.
Identifiers: ClinVar variation 5004353 (VCV005004353.1).
Genomic context (GRCh38, chr2:227,008,153, plus strand): 5'-CACCGCCACCGCCTGGGCCGGGGCCTCGCATACCGCACAGCGGCTGACATAGGGGCGGAT[CGCCTCTTCAGAGAGTGGCATCAT>C]GGGGAGGGGCGCAGCGCTGGCCAGCCAGTAGGATCTGTCGTTTCTCTGGGCATAGTGGCA-3'